The following is an entry in ClinVar:

NM_007294.4(BRCA1):c.5333-5T>G

Gene: BRCA1 (BRCA1 DNA repair associated; minus strand). Cytogenetic location: 17q21.31.
Variant type: single nucleotide variant.
Coding change: c.5333-5T>G on transcript NM_007294.4 (MANE Select); 5 bases into the intron before coding-DNA position 5333, T replaced by G.
Molecular consequence: intron variant.
Genome position (GRCh38, 1-based): chr17:43,049,199, A>C on the plus strand (T>G on the coding strand, the complement: BRCA1 is on the minus strand). VCF-style: chr17-43049199-A-C. GRCh37 (hg19) VCF-style: chr17-41201216-A-C.
Other names: c.1880-5T>G (NM_001408458.1, NM_001408461.1, NM_001408464.1 and 7 more transcripts); c.4442-5T>G (NM_001407967.1); c.4952-5T>G (NM_001407959.1); c.5066-5T>G (NM_001407931.1, NM_001407932.1, NM_001407928.1 and 4 more transcripts); c.5189-5T>G (NM_001407747.1, NM_001407745.1, NM_001407737.1 and 18 more transcripts); c.4949-5T>G (NM_001407962.1, NM_001407960.1); c.1520-5T>G (NM_001408512.1); c.1643-5T>G (NM_001408510.1); and 84 more.
Identifiers: ClinVar variation 868018 (VCV000868018.3), dbSNP rs2051098402, ClinGen allele CA916080888.

Conditions:
Breast-ovarian cancer, familial, susceptibility to, 1 (BROVCA1). Also called: BRCA1 Hereditary Breast and Ovarian Cancer; OVARIAN CANCER, SUSCEPTIBILITY TO. Identifiers: Orphanet 145, MedGen C2676676, MONDO:0011450, OMIM 604370. Disease mechanism: loss of function.

Submission:

Brotman Baty Institute, University of Washington
No classification provided (evidence only). Condition: Breast-ovarian cancer, familial 1. Review status: no classification provided. Collection method: in vitro. Allele origin: not applicable. Functional consequence: function_uncertain_variant.
ClinVar note: "not provided" was previously submitted as the classification for the variant. However, the classification appeared to be based only on an observation of functional data so it was converted to no classification on 2025-07-30.